The following is an entry in ClinVar:

NM_000709.4(BCKDHA):c.761C>A (p.Ala254Asp)

Gene: BCKDHA (branched chain keto acid dehydrogenase E1 subunit alpha; plus strand). Cytogenetic location: 19q13.2.
Variant type: single nucleotide variant.
Coding change: c.761C>A on transcript NM_000709.4 (MANE Select); coding-DNA position 761, C replaced by A.
Protein change: p.Ala254Asp; replaces alanine 254 with aspartic acid.
Molecular consequence: missense variant.
Genome position (GRCh38, 1-based): chr19:41,422,278, C>A. VCF-style: chr19-41422278-C-A. GRCh37 (hg19) VCF-style: chr19-41928183-C-A.
Other names: c.761C>A, p.Ala254Asp (NM_001164783.2); short protein forms A254D.
Identifiers: ClinVar variation 93371 (VCV000093371.21), dbSNP rs373713279, ClinGen allele CA221213.

ClinVar aggregate classification (germline): Conflicting classifications of pathogenicity. Review status: criteria provided, conflicting classifications (1 of 4 stars). 6 submissions from 6 submitters: Pathogenic (1); Likely pathogenic (3); Uncertain significance (2). Last evaluated 2024-11-13.

Conditions:
Maple syrup urine disease type 1A (MSUD1A). Also called: MSUD type 1A. Identifiers: MedGen C1855369, MONDO:0023691, OMIM 248600.
Maple syrup urine disease (MSUD). Identifiers: Orphanet 511, MedGen C0024776, MeSH D008375, MONDO:0009563. Disease mechanism: loss of function.

Allele frequency attached by ClinVar (database versions not stated): gnomAD exomes 0.00001; ESP Exome Variant Server 0.00008; TOPMed 0.00001.
gnomAD v4.1: 9 of 1,614,108 alleles (0.00056%); highest among the groups gnomAD compares: Non-Finnish European, 0.00076%; no homozygotes.

Submissions (6):

Natera, Inc.
Classification: Likely pathogenic for Maple syrup urine disease type 1A. Last evaluated: 2024-11-13. Review status: criteria provided, single submitter. Criteria: Natera Variant Classification Schema (03/2026). Collection method: clinical testing. Allele origin: germline.
Comment: The c.761C>A variant in BCKDHA is a missense variant predicted to cause substitution of alanine to aspartic acid at amino acid 254. This variant is rare in the general population with a frequency below the threshold expected for the associated phenotype(s). This variant has been observed in one or more individuals affected with the associated recessive disease, as either homozygous or compound heterozygous with a second variant (PMID: 31980395). Computational prediction algorithms indicate this variant is likely to affect gene or protein function. Given the available evidence, this variant is classified as Likely Pathogenic.

Labcorp Genetics (formerly Invitae), Labcorp
Classification: Pathogenic for Maple syrup urine disease. Last evaluated: 2024-05-28. Review status: criteria provided, single submitter. Criteria: Invitae Variant Classification Sherloc (09022015). Collection method: clinical testing. Allele origin: germline.
Comment: This sequence change replaces alanine, which is neutral and non-polar, with aspartic acid, which is acidic and polar, at codon 254 of the BCKDHA protein (p.Ala254Asp). This variant is not present in population databases (gnomAD no frequency). This missense change has been observed in individual(s) with maple syrup urine disease (PMID: 10745006, 31980395; Invitae). In at least one individual the data is consistent with being in trans (on the opposite chromosome) from a pathogenic variant. This variant is also known as A209D. ClinVar contains an entry for this variant (Variation ID: 93371). Advanced modeling of protein sequence and biophysical properties (such as structural, functional, and spatial information, amino acid conservation, physicochemical variation, residue mobility, and thermodynamic stability) has been performed at Invitae for this missense variant, however the output from this modeling did not meet the statistical confidence thresholds required to predict the impact of this variant on BCKDHA protein function. For these reasons, this variant has been classified as Pathogenic.

Baylor Genetics
Classification: Likely pathogenic for Maple syrup urine disease type 1A. Last evaluated: 2024-03-23. Review status: criteria provided, single submitter. Criteria: ACMG Guidelines, 2015. Collection method: clinical testing. Allele origin: unknown.

Fulgent Genetics
Classification: Likely pathogenic for Maple syrup urine disease type 1A. Last evaluated: 2024-02-20. Review status: criteria provided, single submitter. Criteria: ACMG Guidelines, 2015. Collection method: clinical testing. Allele origin: germline.

Genome-Nilou Lab
Classification: Uncertain significance for Maple syrup urine disease type 1A. Last evaluated: 2021-11-07. Review status: criteria provided, single submitter. Criteria: ACMG Guidelines, 2015. Collection method: clinical testing. Allele origin: germline. Affected: no.

Eurofins Ntd Llc (ga)
Classification: Uncertain significance. Last evaluated: 2017-02-23. Review status: criteria provided, single submitter. Criteria: EGL Classification Definitions. Collection method: clinical testing. Allele origin: germline. Observed: 1 variant allele, 1 heterozygote.

Literature cited by the submitters: PubMed 31980395 (cited by Natera, Inc. and Labcorp Genetics (formerly Invitae), Labcorp); PubMed 10745006 (cited by Labcorp Genetics (formerly Invitae), Labcorp).